The following is an entry in ClinVar:

NM_015662.3(IFT172):c.3267C>A (p.His1089Gln)

Gene: IFT172 (intraflagellar transport 172; minus strand). Cytogenetic location: 2p23.3.
Variant type: single nucleotide variant.
Coding change: c.3267C>A on transcript NM_015662.3 (MANE Select); coding-DNA position 3267, C replaced by A.
Protein change: p.His1089Gln; replaces histidine 1089 with glutamine.
Molecular consequence: missense variant.
Genome position (GRCh38, 1-based): chr2:27,456,615, G>T on the plus strand (C>A on the coding strand, the complement: IFT172 is on the minus strand). VCF-style: chr2-27456615-G-T. GRCh37 (hg19) VCF-style: chr2-27679482-G-T.
Other names: c.3201C>A, p.His1067Gln (NM_001410739.1); short protein forms H1067Q, H1089Q.
Identifiers: ClinVar variation 2061418 (VCV002061418.4), dbSNP rs535441411, ClinGen allele CA346379375.
Genomic context (GRCh38, chr2:27,456,615, plus strand): 5'-CTTATTAAGCAGTCTAACTGCAGCCTCTCCTCCCAGGCTCTTTGCCCACAGATAGGCCAC[G>T]TGTTTGTGGGCATTAGCCCCTCCTTGAGTTCTGGCCACCTGTAAAGCAAAGTCACTCAAT-3'
Protein context (NP_056477.1, residues 1079-1099): RTQGGANAHK[His1089Gln]VAYLWAKSLG

ClinVar aggregate classification (germline): Uncertain significance (1 of 4 stars; one submission).

Conditions:
Short-rib thoracic dysplasia 10 with or without polydactyly (SRTD10). Identifiers: Orphanet 474, MedGen C3810175, MONDO:0014284, OMIM 615630.
Retinitis pigmentosa 71 (RP71). Identifiers: Orphanet 791, MedGen C4225342, MONDO:0014618, OMIM 616394.

Submission:

Labcorp Genetics (formerly Invitae), Labcorp
Classification: Uncertain significance for Retinitis pigmentosa 71; Short-rib thoracic dysplasia 10 with or without polydactyly. Last evaluated: 2022-07-19. Review status: criteria provided, single submitter. Criteria: Invitae Variant Classification Sherloc (09022015). Collection method: clinical testing. Allele origin: germline.
Comment: This variant has not been reported in the literature in individuals affected with IFT172-related conditions. Algorithms developed to predict the effect of missense changes on protein structure and function output the following: SIFT: "Tolerated"; PolyPhen-2: "Benign"; Align-GVGD: "Class C0". The glutamine amino acid residue is found in multiple mammalian species, which suggests that this missense change does not adversely affect protein function. In summary, the available evidence is currently insufficient to determine the role of this variant in disease. Therefore, it has been classified as a Variant of Uncertain Significance. This variant is not present in population databases (gnomAD no frequency). This sequence change replaces histidine, which is basic and polar, with glutamine, which is neutral and polar, at codon 1089 of the IFT172 protein (p.His1089Gln).